The following is an entry in ClinVar:

NM_022124.6(CDH23):c.9481G>A (p.Asp3161Asn)

Gene: CDH23 (cadherin related 23; plus strand). Cytogenetic location: 10q22.1.
Variant type: single nucleotide variant.
Coding change: c.9481G>A on transcript NM_022124.6 (MANE Select); coding-DNA position 9481, G replaced by A.
Protein change: p.Asp3161Asn; replaces aspartic acid 3161 with asparagine.
Molecular consequence: missense variant.
Genome position (GRCh38, 1-based): chr10:71,812,580, G>A. VCF-style: chr10-71812580-G-A. GRCh37 (hg19) VCF-style: chr10-73572337-G-A.
Other names: c.2761G>A, p.Asp921Asn (NM_001171933.1, NM_001171934.1); c.172G>A, p.Asp58Asn (NM_001171935.1, NM_001171936.1); short protein forms D3161N, D58N, D921N.
Identifiers: ClinVar variation 4999100 (VCV004999100.1).

ClinVar aggregate classification (germline): Uncertain significance (1 of 4 stars; one submission).

Conditions:
CDH23-related disorder. Also called: CDH23-related condition; CDH23-related disorders.

gnomAD v4.1: 19 of 1,613,792 alleles (0.0012%); highest among the groups gnomAD compares: South Asian, 0.0066%; no homozygotes.

Submission:

PreventionGenetics, part of Exact Sciences
Classification: Uncertain significance for CDH23-related condition. Last evaluated: 2026-07-06. Review status: criteria provided, single submitter. Criteria: ACMG Guidelines, 2015. Collection method: clinical testing. Allele origin: germline.
Comment: The CDH23 c.9481G>A variant is predicted to result in the amino acid substitution p.Asp3161Asn. To our knowledge, this variant has not been reported in the literature. This variant is reported in 0.0065% of alleles in individuals of South Asian descent in gnomAD. At this time, the clinical significance of this variant is uncertain due to the absence of conclusive functional and genetic evidence.